The following is an entry in ClinVar:

ClinVar aggregate classification (germline): Uncertain significance. Review status: criteria provided, multiple submitters, no conflicts (2 of 4 stars). 2 submissions from 2 submitters: Uncertain significance (2). Last evaluated 2025-12-08.

Conditions:
Hereditary cancer-predisposing syndrome. Also called: Neoplastic Syndromes, Hereditary; Hereditary neoplastic syndrome; Tumor predisposition; Hereditary Cancer Syndrome. Identifiers: Orphanet 140162, MedGen C0027672, MeSH D009386, MONDO:0015356.
Renal cell carcinoma. Identifiers: Orphanet 217071, MedGen C0007134, MeSH D002292, MONDO:0005086, HP:0005584.

Allele frequency attached by ClinVar (database versions not stated): gnomAD exomes below 0.00001.
gnomAD v4.1: 1 of 1,614,050 alleles (0.000062%); highest among the groups gnomAD compares: Non-Finnish European, 0.000085%; no homozygotes.

Submissions (2):

Ambry Genetics
Classification: Uncertain significance for Hereditary cancer-predisposing syndrome. Last evaluated: 2025-12-08. Review status: criteria provided, single submitter. Criteria: Ambry Variant Classification Scheme 2023. Collection method: clinical testing. Allele origin: germline.
Comment: The p.A1299T variant (also known as c.3895G>A), located in coding exon 19 of the MET gene, results from a G to A substitution at nucleotide position 3895. The alanine at codon 1299 is replaced by threonine, an amino acid with similar properties. This amino acid position is conserved. In addition, the in silico prediction for this alteration is inconclusive. Based on the available evidence, the clinical significance of this variant remains unclear.

Labcorp Genetics (formerly Invitae), Labcorp
Classification: Uncertain significance for Renal cell carcinoma. Last evaluated: 2023-01-07. Review status: criteria provided, single submitter. Criteria: Invitae Variant Classification Sherloc (09022015). Collection method: clinical testing. Allele origin: germline.
Comment: In summary, the available evidence is currently insufficient to determine the role of this variant in disease. Therefore, it has been classified as a Variant of Uncertain Significance. Advanced modeling of protein sequence and biophysical properties (such as structural, functional, and spatial information, amino acid conservation, physicochemical variation, residue mobility, and thermodynamic stability) performed at Invitae indicates that this missense variant is not expected to disrupt MET protein function. This variant has not been reported in the literature in individuals affected with MET-related conditions. This variant is not present in population databases (gnomAD no frequency). This sequence change replaces alanine, which is neutral and non-polar, with threonine, which is neutral and polar, at codon 1299 of the MET protein (p.Ala1299Thr).

NM_000245.4(MET):c.3841G>A (p.Ala1281Thr)

Gene: MET (MET proto-oncogene, receptor tyrosine kinase; plus strand). Cytogenetic location: 7q31.2.
Variant type: single nucleotide variant.
Coding change: c.3841G>A on transcript NM_000245.4 (MANE Select); coding-DNA position 3841, G replaced by A.
Protein change: p.Ala1281Thr; replaces alanine 1281 with threonine.
Molecular consequence: missense variant.
Genome position (GRCh38, 1-based): chr7:116,795,697, G>A. VCF-style: chr7-116795697-G-A. GRCh37 (hg19) VCF-style: chr7-116435751-G-A.
Other names: c.3895G>A, p.Ala1299Thr (NM_001127500.3); c.2551G>A, p.Ala851Thr (NM_001324402.2); short protein forms A1281T, A1299T, A851T.
Identifiers: ClinVar variation 2826868 (VCV002826868.4), dbSNP rs2485871814, ClinGen allele CA369117814.
Genomic context (GRCh38, chr7:116,795,697, plus strand): 5'-TGTTTCTTGTTTTACTAGTGGTCCTTTGGCGTGCTCCTCTGGGAGCTGATGACAAGAGGA[G>A]CCCCACCTTATCCTGACGTAAACACCTTTGATATAACTGTTTACTTGTTGCAAGGGAGAA-3'
Protein context (NP_000236.2, residues 1271-1291): VLLWELMTRG[Ala1281Thr]PPYPDVNTFD